The following is an entry in ClinVar:

ClinVar aggregate classification (germline): Uncertain significance (1 of 4 stars; one submission).

Conditions:
Hereditary cancer-predisposing syndrome. Also called: Neoplastic Syndromes, Hereditary; Tumor predisposition; Hereditary neoplastic syndrome; Hereditary Cancer Syndrome. Identifiers: Orphanet 140162, MedGen C0027672, MeSH D009386, MONDO:0015356.

gnomAD v4.1: 1 of 1,610,716 alleles (0.000062%); highest among the groups gnomAD compares: Non-Finnish European, 0.000085%; no homozygotes.

Submission:

Ambry Genetics
Classification: Uncertain significance for Hereditary cancer-predisposing syndrome. Last evaluated: 2026-07-07. Review status: criteria provided, single submitter. Criteria: Ambry Variant Classification Scheme 2023. Collection method: clinical testing. Allele origin: germline.
Comment: The p.T120S variant (also known as c.358A>T), located in coding exon 2 of the PHOX2B gene, results from an A to T substitution at nucleotide position 358. The threonine at codon 120 is replaced by serine, an amino acid with similar properties. This amino acid position is conserved. In addition, the in silico prediction for this alteration is inconclusive. Based on the available evidence, the clinical significance of this variant remains unclear.

NM_003924.4(PHOX2B):c.358A>T (p.Thr120Ser)

Gene: PHOX2B (paired like homeobox 2B; minus strand). Cytogenetic location: 4p13.
Variant type: single nucleotide variant.
Coding change: c.358A>T on transcript NM_003924.4 (MANE Select); coding-DNA position 358, A replaced by T.
Protein change: p.Thr120Ser; replaces threonine 120 with serine.
Molecular consequence: missense variant.
Genome position (GRCh38, 1-based): chr4:41,747,420, T>A on the plus strand (A>T on the coding strand, the complement: PHOX2B is on the minus strand). VCF-style: chr4-41747420-T-A. GRCh37 (hg19) VCF-style: chr4-41749437-T-A.
Other names: short protein forms T120S.
Identifiers: ClinVar variation 5026585 (VCV005026585.1).